The following is an entry in ClinVar:

ClinVar aggregate classification (germline): Uncertain significance. Review status: criteria provided, multiple submitters, no conflicts (2 of 4 stars). 2 submissions from 2 submitters: Uncertain significance (2). Last evaluated 2025-05-06.

gnomAD v4.1: 2 of 1,210,549 alleles (0.00017%); highest among the groups gnomAD compares: Non-Finnish European, 0.00022%; no homozygotes.

Submissions (2):

GeneDx
Classification: Uncertain significance. Last evaluated: 2025-05-06. Review status: criteria provided, single submitter. Criteria: GeneDx Variant Classification Process June 2021. Collection method: clinical testing. Allele origin: germline. Affected: yes.
Comment: Not observed at significant frequency in large population cohorts (gnomAD); In silico analysis suggests that this missense variant does not alter protein structure/function; Has not been previously published as pathogenic or benign to our knowledge

Labcorp Genetics (formerly Invitae), Labcorp
Classification: Uncertain significance. Last evaluated: 2024-01-19. Review status: criteria provided, single submitter. Criteria: Invitae Variant Classification Sherloc (09022015). Collection method: clinical testing. Allele origin: germline.
Comment: This sequence change replaces leucine, which is neutral and non-polar, with valine, which is neutral and non-polar, at codon 1671 of the COL4A5 protein (p.Leu1671Val). This variant is not present in population databases (gnomAD no frequency). This variant has not been reported in the literature in individuals affected with COL4A5-related conditions. ClinVar contains an entry for this variant (Variation ID: 1352142). Advanced modeling of protein sequence and biophysical properties (such as structural, functional, and spatial information, amino acid conservation, physicochemical variation, residue mobility, and thermodynamic stability) performed at Invitae indicates that this missense variant is not expected to disrupt COL4A5 protein function with a negative predictive value of 95%. In summary, the available evidence is currently insufficient to determine the role of this variant in disease. Therefore, it has been classified as a Variant of Uncertain Significance.

NM_033380.3(COL4A5):c.5029T>G (p.Leu1677Val)

Gene: COL4A5 (collagen type IV alpha 5 chain; plus strand). Cytogenetic location: Xq22.3.
Variant type: single nucleotide variant.
Coding change: c.5029T>G on transcript NM_033380.3 (MANE Select); coding-DNA position 5029, T replaced by G.
Protein change: p.Leu1677Val; replaces leucine 1677 with valine.
Molecular consequence: missense variant.
Genome position (GRCh38, 1-based): chrX:108,696,331, T>G. VCF-style: chrX-108696331-T-G. GRCh37 (hg19) VCF-style: chrX-107939561-T-G.
Other names: c.5029T>G (NM_033380.1); c.5011T>G, p.Leu1671Val (NM_000495.5); short protein forms L1671V, L1677V.
Identifiers: ClinVar variation 1352142 (VCV001352142.9), dbSNP rs2148003708, ClinGen allele CA414133104.
Genomic context (GRCh38, chrX:108,696,331, plus strand): 5'-TGATTGTCTTATTTCTTATTTCCCAGTAAACCTCAGTCAGAAACGCTGAAAGCAGGAGAC[T>G]TGAGGACACGAATTAGCCGATGTCAAGTGTGCATGAAGAGGACATAACATTTTGAAGAAT-3'
Protein context (NP_203699.1, residues 1667-1687): PQSETLKAGD[Leu1677Val]RTRISRCQVC